The following is an entry in ClinVar:

ClinVar aggregate classification (germline): Pathogenic. Review status: reviewed by expert panel (3 of 4 stars). 9 submissions from 9 submitters: Pathogenic (1). 8 of the submissions do not count toward it. Last evaluated 2016-09-08.

Conditions:
Breast and/or ovarian cancer. Identifiers: MedGen CN221562.
Hereditary cancer-predisposing syndrome. Also called: Hereditary Cancer Syndrome; Hereditary neoplastic syndrome; Neoplastic Syndromes, Hereditary; Tumor predisposition. Identifiers: Orphanet 140162, MedGen C0027672, MeSH D009386, MONDO:0015356.
Hereditary breast ovarian cancer syndrome. Also called: BRCA1- and BRCA2-Associated Hereditary Breast and Ovarian Cancer; Hereditary breast and ovarian cancer syndrome; Hereditary breast and ovarian cancer syndrome (HBOC); Breast and ovarian cancer; Hereditary breast and/or ovarian cancer syndrome; Hereditary breast and ovarian cancer. Identifiers: Orphanet 145, MedGen C0677776, MeSH D061325, MONDO:0003582. Disease mechanism: loss of function.
Breast-ovarian cancer, familial, susceptibility to, 1 (BROVCA1). Also called: BRCA1 Hereditary Breast and Ovarian Cancer; OVARIAN CANCER, SUSCEPTIBILITY TO. Identifiers: Orphanet 145, MedGen C2676676, MONDO:0011450, OMIM 604370. Disease mechanism: loss of function.

Submissions (10):

Evidence-based Network for the Interpretation of Germline Mutant Alleles (ENIGMA)
Classification: Pathogenic for Breast-ovarian cancer, familial, susceptibility to, 1. Last evaluated: 2016-09-08. Review status: reviewed by expert panel. Criteria: ENIGMA BRCA1/2 Classification Criteria (2015). Collection method: curation. Allele origin: germline.
Comment: Variant allele predicted to encode a truncated non-functional protein.

Labcorp Genetics (formerly Invitae), Labcorp
Classification: Pathogenic for Hereditary breast ovarian cancer syndrome. Last evaluated: 2025-11-09. Review status: criteria provided, single submitter. Criteria: Invitae Variant Classification Sherloc (09022015). Collection method: clinical testing. Allele origin: germline. Not counted in ClinVar's aggregate classification.
Comment: This sequence change creates a premature translational stop signal (p.Trp1837*) in the BRCA1 gene. While this is not anticipated to result in nonsense mediated decay, it is expected to disrupt the last 27 amino acid(s) of the BRCA1 protein. This variant is not present in population databases (gnomAD no frequency). This premature translational stop signal has been observed in individual(s) with breast cancer (PMID: 26951538). ClinVar contains an entry for this variant (Variation ID: 55609). RNA analysis performed to evaluate the impact of this premature translational stop signal on mRNA splicing indicates it does not significantly alter splicing (internal data). This variant disrupts the C-terminal end of the BRCA1 protein partially including the BRCT domain (residues 1646-1859), which is important for DNA repair activity (PMID: 11573086, 14576433, 15133503, 25652403). While functional studies have not been performed to directly test the effect on BRCA1 protein function, this suggests that disruption of the C-terminal portion of the protein is functionally important. This variant disrupts a region of the BRCA1 protein in which other variant(s) (p.Tyr1853*) have been determined to be pathogenic (PMID: 7894493, 10811118, 11739404, 12400015, 21922593; internal data). This suggests that this is a clinically significant region of the protein, and that variants that disrupt it are likely to be disease-causing. For these reasons, this variant has been classified as Pathogenic.

Ambry Genetics
Classification: Pathogenic for Hereditary cancer-predisposing syndrome. Last evaluated: 2023-08-18. Review status: criteria provided, single submitter. Criteria: Ambry Variant Classification Scheme 2023. Collection method: clinical testing. Allele origin: germline. Not counted in ClinVar's aggregate classification.
Comment: The p.W1837* pathogenic mutation (also known as c.5511G>A), located in coding exon 22 of the BRCA1 gene, results from a G to A substitution at nucleotide position 5511. This changes the amino acid from a tryptophan to a stop codon within coding exon 22. This alteration occurs at the 3' terminus of theBRCA1 gene, is not expected to trigger nonsense-mediated mRNA decay, and only impacts the last 27 amino acids of the protein. However, premature stop codons are typically deleterious in nature and the impacted region is critical for protein function (Ambry internal data). One functional study found that this nucleotide substitution is non-functional in a high throughput genome editing haploid cell survival assay (Findlay GM et al. Nature, 2018 Oct;562:217-222). This variant is considered to be rare based on population cohorts in the Genome Aggregation Database (gnomAD). Based on the supporting evidence, this alteration is interpreted as a disease-causing mutation.

Consortium of Investigators of Modifiers of BRCA1/2 (CIMBA), c/o University of Cambridge
Classification: Pathogenic for Breast-ovarian cancer, familial, susceptibility to, 1. Last evaluated: 2015-10-02. Review status: criteria provided, single submitter. Criteria: CIMBA Mutation Classification guidelines May 2016. Collection method: clinical testing. Allele origin: germline. Not counted in ClinVar's aggregate classification.

Department of Medical Genetics, Oslo University Hospital
Classification: Pathogenic for Breast-ovarian cancer, familial, susceptibility to, 1. Last evaluated: 2015-07-01. Review status: criteria provided, single submitter. Criteria: ACMG Guidelines, 2015. Collection method: clinical testing. Allele origin: germline. Affected: yes. Observed: 18 variant alleles. Not counted in ClinVar's aggregate classification.

BRCAlab, Lund University
Classification: Pathogenic for Breast-ovarian cancer, familial, susceptibility to, 1. Last evaluated: 2020-03-02. Review status: no assertion criteria provided. Collection method: clinical testing. Allele origin: germline. Affected: yes. Not counted in ClinVar's aggregate classification.

CZECANCA consortium
Classification: Pathogenic for Breast and/or ovarian cancer. Last evaluated: 2019-06-11. Review status: no assertion criteria provided. Collection method: clinical testing. Allele origin: germline. Affected: yes. Observed: 2 variant alleles. Not counted in ClinVar's aggregate classification.

Research Molecular Genetics Laboratory, Women's College Hospital, University of Toronto
Classification: Pathogenic for Hereditary breast ovarian cancer syndrome. Last evaluated: 2014-01-31. Review status: no assertion criteria provided. Collection method: research. Allele origin: germline. Affected: yes. Study: The Canadian Open Genetics Repository (COGR). Not counted in ClinVar's aggregate classification.

Breast Cancer Information Core (BIC) (BRCA1)
Classification: Pathogenic for Breast-ovarian cancer, familial 1. Last evaluated: 2006-07-19. Review status: no assertion criteria provided. Collection method: clinical testing. Allele origin: germline. Affected: yes. Observed: 2 variant alleles. Not counted in ClinVar's aggregate classification.

Brotman Baty Institute, University of Washington
No classification provided (evidence only). Condition: Breast-ovarian cancer, familial 1. Review status: no classification provided. Collection method: in vitro. Allele origin: not applicable. Functional consequence: functionally_abnormal. Not counted in ClinVar's aggregate classification.
ClinVar note: "not provided" was previously submitted as the classification for the variant. However, the classification appeared to be based only on an observation of functional data so it was converted to no classification on 2025-07-30.

Literature cited by the submitters: PubMed 26951538 (cited by Labcorp Genetics (formerly Invitae), Labcorp); PubMed 11573086 (cited by Labcorp Genetics (formerly Invitae), Labcorp); PubMed 14576433 (cited by Labcorp Genetics (formerly Invitae), Labcorp); PubMed 15133503 (cited by Labcorp Genetics (formerly Invitae), Labcorp); PubMed 25652403 (cited by Labcorp Genetics (formerly Invitae), Labcorp); PubMed 7894493 (cited by Labcorp Genetics (formerly Invitae), Labcorp); PubMed 10811118 (cited by Labcorp Genetics (formerly Invitae), Labcorp); PubMed 11739404 (cited by Labcorp Genetics (formerly Invitae), Labcorp); PubMed 12400015 (cited by Labcorp Genetics (formerly Invitae), Labcorp); PubMed 21922593 (cited by Labcorp Genetics (formerly Invitae), Labcorp); PubMed 30209399 (cited by Ambry Genetics); PubMed 32295079 (cited by CZECANCA consortium); Hakansson et al., AJHG in press, 1997. (cited by Breast Cancer Information Core (BIC) (BRCA1)).

NM_007294.4(BRCA1):c.5511G>A (p.Trp1837Ter)

Gene: BRCA1 (BRCA1 DNA repair associated; minus strand). Cytogenetic location: 17q21.31.
Variant type: single nucleotide variant.
Coding change: c.5511G>A on transcript NM_007294.4 (MANE Select); coding-DNA position 5511, G replaced by A.
Protein change: p.Trp1837Ter; replaces tryptophan 1837 with a stop codon.
Molecular consequence: nonsense. On other transcripts: 3 prime UTR variant (1), non-coding transcript variant (1).
Genome position (GRCh38, 1-based): chr17:43,045,759, C>T on the plus strand (G>A on the coding strand, the complement: BRCA1 is on the minus strand). VCF-style: chr17-43045759-C-T. GRCh37 (hg19) VCF-style: chr17-41197776-C-T.
Other names: 5630G>A; c.5508G>A, p.Trp1836Ter (NM_001407622.1, NM_001407623.1, NM_001407624.1 and 14 more transcripts); c.5505G>A, p.Trp1835Ter (NM_001407627.1, NM_001407628.1, NM_001407629.1 and 13 more transcripts); c.5502G>A, p.Trp1834Ter (NM_001407644.1, NM_001407645.1); c.5499G>A, p.Trp1833Ter (NM_001407646.1); c.5496G>A, p.Trp1832Ter (NM_001407647.1); c.5454G>A, p.Trp1818Ter (NM_001407648.1); c.5451G>A, p.Trp1817Ter (NM_001407649.1); and 75 more; short protein forms W1837*, W1790*, W1858*, W733*, W1668*, W1709*, W1710*, W1724*.
Identifiers: ClinVar variation 55609 (VCV000055609.14), dbSNP rs80356914, ClinGen allele CA003685.
Genomic context (GRCh38, chr17:43,045,759, plus strand): 5'-CTGGGGTATCAGGTAGGTGTCCAGCTCCTGGCACTGGTAGAGTGCTACACTGTCCAACAC[C>T]CACTCTCGGGTCACCACAGGTGCCTCACACATCTGCCCAATTGCTGGAGACAGAGAACAC-3'